The following is an entry in ClinVar:

ClinVar aggregate classification (germline): Uncertain significance. Review status: criteria provided, multiple submitters, no conflicts (2 of 4 stars). 2 submissions from 2 submitters: Uncertain significance (2). Last evaluated 2024-10-22.

Conditions:
Glycogen storage disease IXd (GSD9D). Also called: GSD IXd; Muscle Phosphorylase Kinase Deficiency. Identifiers: Orphanet 715, MedGen C1845151, MONDO:0010362, OMIM 300559.

Allele frequency attached by ClinVar (database versions not stated): TOPMed below 0.00001; gnomAD 0.00001; gnomAD exomes 0.00001.
gnomAD v4.1: 15 of 1,207,289 alleles (0.0012%); highest among the groups gnomAD compares: Non-Finnish European, 0.0017%; no homozygotes.

Submissions (2):

Labcorp Genetics (formerly Invitae), Labcorp
Classification: Uncertain significance for Glycogen storage disease IXd. Last evaluated: 2024-10-22. Review status: criteria provided, single submitter. Criteria: Invitae Variant Classification Sherloc (09022015). Collection method: clinical testing. Allele origin: germline.
Comment: This sequence change falls in intron 14 of the PHKA1 gene. It does not directly change the encoded amino acid sequence of the PHKA1 protein. It affects a nucleotide within the consensus splice site. This variant is present in population databases (no rsID available, gnomAD 0.001%). This variant has not been reported in the literature in individuals affected with PHKA1-related conditions. ClinVar contains an entry for this variant (Variation ID: 1302970). Variants that disrupt the consensus splice site are a relatively common cause of aberrant splicing (PMID: 17576681, 9536098). Algorithms developed to predict the effect of sequence changes on RNA splicing suggest that this variant may disrupt the consensus splice site. In summary, the available evidence is currently insufficient to determine the role of this variant in disease. Therefore, it has been classified as a Variant of Uncertain Significance.

GeneDx
Classification: Uncertain significance. Last evaluated: 2019-11-12. Review status: criteria provided, single submitter. Criteria: GeneDx Variant Classification Process June 2021. Collection method: clinical testing. Allele origin: germline. Affected: yes.
Comment: Not observed at a significant frequency in large population cohorts (Lek et al., 2016); In-silico analysis, which includes splice predictors and evolutionary conservation, is inconclusive as to whether the variant alters gene splicing. In the absence of RNA/functional studies, the actual effect of this sequence change is unknown.

Literature cited by the submitters: PubMed 17576681 (cited by Labcorp Genetics (formerly Invitae), Labcorp); PubMed 9536098 (cited by Labcorp Genetics (formerly Invitae), Labcorp).

NM_002637.4(PHKA1):c.1459+4A>G

Gene: PHKA1 (phosphorylase kinase regulatory subunit alpha 1; minus strand). Cytogenetic location: Xq13.1.
Variant type: single nucleotide variant.
Coding change: c.1459+4A>G on transcript NM_002637.4 (MANE Select); 4 bases into the intron after coding-DNA position 1459, A replaced by G.
Molecular consequence: intron variant.
Genome position (GRCh38, 1-based): chrX:72,644,358, T>C on the plus strand (A>G on the coding strand, the complement: PHKA1 is on the minus strand). VCF-style: chrX-72644358-T-C. GRCh37 (hg19) VCF-style: chrX-71864208-T-C.
Other names: c.1459+4A>G (NM_001172436.2, NM_001122670.2).
Identifiers: ClinVar variation 1302970 (VCV001302970.6), dbSNP rs1203297354, ClinGen allele CA642478300.